The following is an entry in ClinVar:

NM_000760.4(CSF3R):c.635G>A (p.Ser212Asn)

Gene: CSF3R (colony stimulating factor 3 receptor; minus strand). Cytogenetic location: 1p34.3.
Variant type: single nucleotide variant.
Coding change: c.635G>A on transcript NM_000760.4 (MANE Select); coding-DNA position 635, G replaced by A.
Protein change: p.Ser212Asn; replaces serine 212 with asparagine.
Molecular consequence: missense variant.
Genome position (GRCh38, 1-based): chr1:36,473,473, C>T on the plus strand (G>A on the coding strand, the complement: CSF3R is on the minus strand). VCF-style: chr1-36473473-C-T. GRCh37 (hg19) VCF-style: chr1-36939074-C-T.
Other names: c.635G>A, p.Ser212Asn (NM_156039.3, NM_172313.3); short protein forms S212N.
Identifiers: ClinVar variation 4745754 (VCV004745754.1).

ClinVar aggregate classification (germline): Uncertain significance (1 of 4 stars; one submission).

Conditions:
Autosomal recessive severe congenital neutropenia due to CSF3R deficiency. Also called: Neutropenia, severe congenital, 7, autosomal recessive. Identifiers: Orphanet 420702, MedGen C4310764, MONDO:0014865, OMIM 617014.

Submission:

Labcorp Genetics (formerly Invitae), Labcorp
Classification: Uncertain significance for Autosomal recessive severe congenital neutropenia due to CSF3R deficiency. Last evaluated: 2025-04-01. Review status: criteria provided, single submitter. Criteria: Invitae Variant Classification Sherloc (09022015). Collection method: clinical testing. Allele origin: germline.
Comment: This sequence change replaces serine, which is neutral and polar, with asparagine, which is neutral and polar, at codon 212 of the CSF3R protein (p.Ser212Asn). This variant is not present in population databases (gnomAD no frequency). This variant has not been reported in the literature in individuals affected with CSF3R-related conditions. Invitae Evidence Modeling of protein sequence and biophysical properties (such as structural, functional, and spatial information, amino acid conservation, physicochemical variation, residue mobility, and thermodynamic stability) has been performed for this missense variant. However, the output from this modeling did not meet the statistical confidence thresholds required to predict the impact of this variant on CSF3R protein function. In summary, the available evidence is currently insufficient to determine the role of this variant in disease. Therefore, it has been classified as a Variant of Uncertain Significance.